The following is an entry in ClinVar:

ClinVar aggregate classification (germline): Uncertain significance. Review status: criteria provided, multiple submitters, no conflicts (2 of 4 stars). 2 submissions from 2 submitters: Uncertain significance (2). Last evaluated 2025-05-13.

Conditions:
Inborn genetic diseases. Identifiers: MedGen C0950123, MeSH D030342.

Allele frequency attached by ClinVar (database versions not stated): ExAC 0.00007; ESP Exome Variant Server 0.00008; gnomAD exomes 0.00020; TOPMed 0.00020; gnomAD 0.00009.
gnomAD v4.1: 306 of 1,608,018 alleles (0.019%); highest among the groups gnomAD compares: Non-Finnish European, 0.024%; 1 homozygote.

Submissions (2):

GeneDx
Classification: Uncertain significance. Last evaluated: 2025-05-13. Review status: criteria provided, single submitter. Criteria: GeneDx Variant Classification Process June 2021. Collection method: clinical testing. Allele origin: germline.
Comment: In silico analysis suggests that this missense variant does not alter protein structure/function; Has not been previously published as pathogenic or benign to our knowledge

Ambry Genetics
Classification: Uncertain significance for Inborn genetic diseases. Last evaluated: 2021-10-26. Review status: criteria provided, single submitter. Criteria: Ambry Variant Classification Scheme 2023. Collection method: clinical testing. Allele origin: germline.

NM_001005388.3(NFASC):c.67G>A (p.Gly23Arg)

Gene: NFASC (neurofascin; plus strand). Cytogenetic location: 1q32.1.
Variant type: single nucleotide variant.
Coding change: c.67G>A on transcript NM_001005388.3 (MANE Select); coding-DNA position 67, G replaced by A.
Protein change: p.Gly23Arg; replaces glycine 23 with arginine.
Molecular consequence: missense variant. On other transcripts: non-coding transcript variant (1).
Genome position (GRCh38, 1-based): chr1:204,944,382, G>A. VCF-style: chr1-204944382-G-A. GRCh37 (hg19) VCF-style: chr1-204913510-G-A.
Other names: c.67G>A, p.Gly23Arg (NM_001005389.2, NM_001160331.2, NM_001160332.2 and 6 more transcripts); c.67G>A (NM_001005388.2); short protein forms G23R.
Identifiers: ClinVar variation 1810473 (VCV001810473.5), dbSNP rs145678100, ClinGen allele CA1349376.
Genomic context (GRCh38, chr1:204,944,382, plus strand): 5'-AGGCAGCCACCGCCGCCCTGGGTCCATGCAGCCTTCCTCCTCTGCCTCCTCAGTCTTGGC[G>A]GAGCCATCGAAATTCCTATGGATCGTGAGTCCTGCCCCATTCTCTTCTCTTTTTTTTCCT-3'
Protein context (NP_001005388.2, residues 13-33): AFLLCLLSLG[Gly23Arg]AIEIPMDPSI